The following is an entry in ClinVar:

NM_000548.5(TSC2):c.2377G>T (p.Glu793Ter)

Gene: TSC2 (TSC complex subunit 2; plus strand). Cytogenetic location: 16p13.3.
Variant type: single nucleotide variant.
Coding change: c.2377G>T on transcript NM_000548.5 (MANE Select); coding-DNA position 2377, G replaced by T.
Protein change: p.Glu793Ter; replaces glutamic acid 793 with a stop codon.
Molecular consequence: nonsense.
Genome position (GRCh38, 1-based): chr16:2,074,221, G>T. VCF-style: chr16-2074221-G-T. GRCh37 (hg19) VCF-style: chr16-2124222-G-T.
Other names: c.2377G>T, p.Glu793Ter (NM_001077183.3, NM_001114382.3, NM_001363528.2 and 3 more transcripts); c.2266G>T, p.Glu756Ter (NM_001318827.2); c.2230G>T, p.Glu744Ter (NM_001318829.2); c.1777G>T, p.Glu593Ter (NM_001318831.2); c.2410G>T, p.Glu804Ter (NM_001318832.2); short protein forms E593*, E793*, E756*, E804*, E744*.
Identifiers: ClinVar variation 817536 (VCV000817536.12), dbSNP rs1596356248, ClinGen allele CA394277020.

ClinVar aggregate classification (germline): Pathogenic. Review status: criteria provided, multiple submitters, no conflicts (2 of 4 stars). 3 submissions from 3 submitters: Pathogenic (3). Last evaluated 2022-08-10.

Conditions:
Tuberous sclerosis 2 (TSC2). Identifiers: Orphanet 805, MedGen C1860707, MONDO:0013199, OMIM 613254.

Submissions (3):

GeneDx
Classification: Pathogenic. Last evaluated: 2022-08-10. Review status: criteria provided, single submitter. Criteria: GeneDx Variant Classification Process June 2021. Collection method: clinical testing. Allele origin: germline. Affected: yes.
Comment: Nonsense variant predicted to result in protein truncation or nonsense mediated decay in a gene for which loss-of-function is a known mechanism of disease; Not observed at significant frequency in large population cohorts (gnomAD); Has not been previously published as pathogenic or benign to our knowledge

Labcorp Genetics (formerly Invitae), Labcorp
Classification: Pathogenic for Tuberous sclerosis 2. Last evaluated: 2022-02-03. Review status: criteria provided, single submitter. Criteria: Invitae Variant Classification Sherloc (09022015). Collection method: clinical testing. Allele origin: germline.
Comment: ClinVar contains an entry for this variant (Variation ID: 817536). This sequence change creates a premature translational stop signal (p.Glu793*) in the TSC2 gene. It is expected to result in an absent or disrupted protein product. Loss-of-function variants in TSC2 are known to be pathogenic (PMID: 10205261, 17304050). For these reasons, this variant has been classified as Pathogenic. This variant is not present in population databases (gnomAD no frequency). This variant has not been reported in the literature in individuals affected with TSC2-related conditions.

Genome-Nilou Lab
Classification: Pathogenic for Tuberous sclerosis 2. Last evaluated: 2021-11-07. Review status: criteria provided, single submitter. Criteria: ACMG Guidelines, 2015. Collection method: clinical testing. Allele origin: germline. Affected: no.

Literature cited by the submitters: PubMed 10205261 (cited by Labcorp Genetics (formerly Invitae), Labcorp); PubMed 17304050 (cited by Labcorp Genetics (formerly Invitae), Labcorp).